The following is an entry in ClinVar:

ClinVar aggregate classification (germline): Conflicting classifications of pathogenicity. Review status: criteria provided, conflicting classifications (1 of 4 stars). 6 submissions from 6 submitters: Pathogenic (4); Uncertain significance (1). 1 of the submissions does not count toward it. Last evaluated 2025-12-06.

Conditions:
Retinal dystrophy. Also called: Inherited retinal dystrophy. Identifiers: Orphanet 71862, MedGen C0854723, MeSH D058499, MONDO:0019118, HP:0000556.
Muscular dystrophy-dystroglycanopathy (congenital with impaired intellectual development), type B, 3. Also called: MUSCULAR DYSTROPHY, CONGENITAL, POMGNT1-RELATED; Muscular dystrophy-dystroglycanopathy (congenital with intellectual disability), type B3. Identifiers: MedGen C3150412, MONDO:0013155, OMIM 613151.
Autosomal recessive limb-girdle muscular dystrophy type 2O. Also called: Limb-Girdle Muscular Dystrophy Type 3C; MUSCULAR DYSTROPHY-DYSTROGLYCANOPATHY (LIMB-GIRDLE), TYPE C, 3; MUSCULAR DYSTROPHY-DYSTROGLYCANOPATHY, LIMB-GIRDLE, POMGNT1-RELATED. Identifiers: Orphanet 206564, MedGen C3150417, MONDO:0013161, OMIM 613157.
Muscular dystrophy-dystroglycanopathy (congenital with brain and eye anomalies), type A3. Also called: Muscular dystrophy-dystroglycanopathy (congenital with brain and eye anomalies), type A, 3; Congenital muscular dystrophy-dystroglycanopathy with brain and eye anomalies, type A3; WALKER-WARBURG SYNDROME OR MUSCLE-EYE-BRAIN DISEASE, POMGNT1-RELATED. Identifiers: MedGen C3151519, MONDO:0009667, OMIM 253280.
Muscular dystrophy-dystroglycanopathy. Also called: Congenital muscular dystrophy due to dystroglycanopathy. Identifiers: Orphanet 370953, MedGen C5679911, MONDO:0018276.
Muscle eye brain disease (MEB). Also called: Santavuori congenital muscular dystrophy. Identifiers: Orphanet 588, Orphanet 899, MedGen C0457133, MONDO:0018939.

Submissions (6):

Labcorp Genetics (formerly Invitae), Labcorp
Classification: Pathogenic for Autosomal recessive limb-girdle muscular dystrophy type 2O; Muscular dystrophy-dystroglycanopathy (congenital with impaired intellectual development), type B, 3. Last evaluated: 2025-12-06. Review status: criteria provided, single submitter. Criteria: Invitae Variant Classification Sherloc (09022015). Collection method: clinical testing. Allele origin: germline.
Comment: This sequence change creates a premature translational stop signal (p.Asp338*) in the POMGNT1 gene. It is expected to result in an absent or disrupted protein product. Loss-of-function variants in POMGNT1 are known to be pathogenic (PMID: 19299310, 20816175, 21447391, 26908613, 27391550). This variant is present in population databases (rs751254522, gnomAD 0.03%). This premature translational stop signal has been observed in individuals with POMGNT1-related disease (PMID: 12588800, 12849864, 23453855). ClinVar contains an entry for this variant (Variation ID: 189099). For these reasons, this variant has been classified as Pathogenic.

Natera, Inc.
Classification: Pathogenic for Muscle-eye-brain disease. Last evaluated: 2024-06-10. Review status: criteria provided, single submitter. Criteria: Natera Variant Classification Schema (03/2026). Collection method: clinical testing. Allele origin: germline.
Comment: The c.1011dupT variant in POMGNT1 is a frameshift variant predicted to shift the reading frame and introduce a stop codon. This variant is expected to result in nonsense mediated decay, truncation, or a dysfunctional protein product. This variant is rare in the general population with a frequency below the threshold expected for the associated phenotype(s). This variant has been observed in one or more individuals affected with the associated recessive disease, as either homozygous or compound heterozygous with a second variant (PMID: 15184894). Additionally, this variant has been observed to segregate in affected family members (PMID: 15184894). Given the available evidence, this variant is classified as Pathogenic.

Baylor Genetics
Classification: Pathogenic for Muscular dystrophy-dystroglycanopathy (congenital with brain and eye anomalies), type A3. Last evaluated: 2024-01-03. Review status: criteria provided, single submitter. Criteria: ACMG Guidelines, 2015. Collection method: clinical testing. Allele origin: unknown.

Dept Of Ophthalmology, Nagoya University
Classification: Pathogenic for Retinal dystrophy. Last evaluated: 2023-10-01. Review status: criteria provided, single submitter. Criteria: Submitter's publication. Collection method: research. Allele origin: germline. Affected: yes.

Broad Center for Mendelian Genomics, Broad Institute of MIT and Harvard
Classification: Uncertain significance for Muscular dystrophy-dystroglycanopathy. Last evaluated: 2023-01-24. Review status: criteria provided, single submitter. Criteria: ACMG Guidelines, 2015. Collection method: curation. Allele origin: germline. Inheritance: Autosomal recessive inheritance.
Comment: The c.1011dup variant in POMGNT1 has been previously reported in 2 individuals, in the compound heterozygous state or heterozygous state, with muscular dystrophy-dystroglycanopathy (PMID: 12588800, 23453855), and has been identified in 0.03% (5/18394) of East Asian chromosomes by the Genome Aggregation Database (gnomAD; dbSNP ID: rs751254522). Although this variant has been seen in the general population in a heterozygous state, its frequency is not high enough to rule out a pathogenic role. This variant has also been reported in ClinVar (Variation ID#:189099) and has been interpreted as pathogenic by Invitae and Natera, Inc, and likely pathogenic by Counsyl. This frameshift variant leads to a premature termination codon at amino acid position 338 which is predicted to lead to a truncated or absent protein. Loss of function is an established disease mechanism for POMGNT1-associated muscular dystrophy-dystroglycanopathy. In summary, the clinical significance of the p.Asp338Ter variant is uncertain. ACMG/AMP Criteria applied: PVS1 (Richards 2015).

Counsyl
Classification: Likely pathogenic for Muscle eye brain disease. Last evaluated: 2014-12-22. Review status: no assertion criteria provided. Collection method: literature only. Allele origin: unknown. Inheritance: Autosomal recessive inheritance. Not counted in ClinVar's aggregate classification.

Literature cited by the submitters: PubMed 19299310 (cited by Labcorp Genetics (formerly Invitae), Labcorp); PubMed 20816175 (cited by Labcorp Genetics (formerly Invitae), Labcorp); PubMed 21447391 (cited by Labcorp Genetics (formerly Invitae), Labcorp); PubMed 26908613 (cited by Labcorp Genetics (formerly Invitae), Labcorp); PubMed 27391550 (cited by Labcorp Genetics (formerly Invitae), Labcorp); PubMed 12588800 (cited by Labcorp Genetics (formerly Invitae), Labcorp and Counsyl); PubMed 12849864 (cited by Labcorp Genetics (formerly Invitae), Labcorp and Counsyl); PubMed 23453855 (cited by Labcorp Genetics (formerly Invitae), Labcorp and Counsyl); PubMed 15184894 (cited by Natera, Inc.).

NM_017739.4(POMGNT1):c.1011dup (p.Asp338Ter)

Genes: POMGNT1 (protein O-linked mannose N-acetylglucosaminyltransferase 1 (beta 1,2-); minus strand), TSPAN1 (tetraspanin 1; plus strand). Cytogenetic location: 1p34.1.
Variant type: Duplication.
Coding change: c.1011dup on transcript NM_017739.4 (MANE Select); coding-DNA position 1011, one base duplicated (T; older notation c.1011dupT).
Protein change: p.Asp338Ter; replaces aspartic acid 338 with a stop codon.
Molecular consequence: nonsense. On other transcripts: frameshift variant (1).
Genome position (GRCh38, 1-based): chr1:46,193,579, A duplicated on the plus strand (T on the coding strand, the reverse complement: POMGNT1 is on the minus strand); the first of 2 consecutive A bases (chr1:46,193,579-46,193,580); duplicating either gives the same sequence. VCF-style (leftmost placement, unchanged base first): chr1-46193578-C-CA. GRCh37 (hg19) VCF-style: chr1-46659250-C-CA.
Other names: NM_017739.4(POMGNT1):c.1011dup; p.Asp338Ter; c.1011dupT (NM_017739.3, NM_017739.4); c.1011dup, p.Asp338Ter (NM_001243766.2, NM_001410783.1); c.944dup, p.Asp316Terfs (NM_001290129.3); c.582dup, p.Asp195Ter (NM_001290130.2); short protein forms D195*, D316*, D338*.
Identifiers: ClinVar variation 189099 (VCV000189099.19), dbSNP rs751254522, ClinGen allele CA274377.